The following is an entry in ClinVar:

ClinVar aggregate classification (germline): Benign (1 of 4 stars; one submission).

Conditions:
Leigh syndrome (NULS). Also called: Leigh's necrotizing encephalopathy; Leigh's disease; Leigh Syndrome (mtDNA deletion); Leigh Disease; Subacute necrotizing encephalopathy; Necrotizing encephalopathy infantile subacute of Leigh. Identifiers: Orphanet 506, MedGen C2931891, MONDO:0009723, OMIM 256000.

Submission:

Wong Mito Lab, Molecular and Human Genetics, Baylor College of Medicine
Classification: Benign for Leigh syndrome. Last evaluated: 2019-10-17. Review status: criteria provided, single submitter. Criteria: Modified ACMG Guidelines (Unpublished). Collection method: clinical testing. Allele origin: germline.
Comment: The NC_012920.1:m.4048G>A (YP_003024026.1:p.Asp248Asn) variant in MTND1 gene is interpretated to be a Benign variant based on the modified ACMG guidelines (unpublished). This variant meets the following evidence codes: BA1

NC_012920.1(MT-ND1):m.4048G>A

Gene: MT-ND1 (mitochondrially encoded NADH dehydrogenase 1; plus strand).
Variant type: single nucleotide variant.
Genome position: chrM-4048-G-A.
Identifiers: ClinVar variation 692416 (VCV000692416.1), dbSNP rs201629275, ClinGen allele CA337096771.